The following is an entry in ClinVar:

ClinVar aggregate classification (germline): Uncertain significance (1 of 4 stars; one submission).

Submission:

Labcorp Genetics (formerly Invitae), Labcorp
Classification: Uncertain significance. Last evaluated: 2022-07-27. Review status: criteria provided, single submitter. Criteria: Invitae Variant Classification Sherloc (09022015). Collection method: clinical testing. Allele origin: germline.
Comment: In summary, the available evidence is currently insufficient to determine the role of this variant in disease. Therefore, it has been classified as a Variant of Uncertain Significance. Algorithms developed to predict the effect of missense changes on protein structure and function are either unavailable or do not agree on the potential impact of this missense change (SIFT: "Not Available"; PolyPhen-2: "Probably Damaging"; Align-GVGD: "Not Available"). This variant has not been reported in the literature in individuals affected with LTBP2-related conditions. Information on the frequency of this variant in the gnomAD database is not available, as this variant may be reported differently in the database. This sequence change replaces alanine, which is neutral and non-polar, with leucine, which is neutral and non-polar, at codon 1187 of the LTBP2 protein (p.Ala1187Leu).

NM_000428.3(LTBP2):c.3559_3560delinsTT (p.Ala1187Leu)

Gene: LTBP2 (latent transforming growth factor beta binding protein 2; minus strand). Cytogenetic location: 14q24.3.
Variant type: Indel.
Coding change: c.3559_3560delinsTT on transcript NM_000428.3 (MANE Select); coding-DNA positions 3559 to 3560, GC replaced by TT.
Protein change: p.Ala1187Leu; replaces alanine 1187 with leucine.
Molecular consequence: missense variant.
Genome position (GRCh38, 1-based): chr14:74,508,696-74,508,697, GC replaced by AA on the plus strand (GC replaced by TT on the coding strand, the reverse complement: LTBP2 is on the minus strand). VCF-style: chr14-74508696-GC-AA. GRCh37 (hg19) VCF-style: chr14-74975399-GC-AA.
Other names: short protein forms A1187L.
Identifiers: ClinVar variation 1908455 (VCV001908455.3), dbSNP rs2506136314, ClinGen allele CA2580088739.